The following is an entry in ClinVar:

ClinVar aggregate classification (germline): Pathogenic. Review status: criteria provided, multiple submitters, no conflicts (2 of 4 stars). 3 submissions from 3 submitters: Pathogenic (3). Last evaluated 2019-09-09.

Conditions:
Hereditary breast ovarian cancer syndrome. Also called: Hereditary breast and ovarian cancer syndrome (HBOC); Hereditary breast and ovarian cancer syndrome; Breast and ovarian cancer; Hereditary breast and/or ovarian cancer syndrome; Hereditary breast and ovarian cancer; BRCA1- and BRCA2-Associated Hereditary Breast and Ovarian Cancer. Identifiers: Orphanet 145, MedGen C0677776, MeSH D061325, MONDO:0003582. Disease mechanism: loss of function.
Hereditary cancer-predisposing syndrome. Also called: Neoplastic Syndromes, Hereditary; Hereditary Cancer Syndrome; Hereditary neoplastic syndrome; Tumor predisposition. Identifiers: Orphanet 140162, MedGen C0027672, MeSH D009386, MONDO:0015356.

Submissions (3):

Color Diagnostics, LLC DBA Color Health
Classification: Pathogenic for Hereditary cancer-predisposing syndrome. Last evaluated: 2019-09-09. Review status: criteria provided, single submitter. Criteria: ACMG Guidelines, 2015. Collection method: clinical testing. Allele origin: germline.
Comment: This variant deletes 2 nucleotides in exon 11 of the BRCA2 gene, creating a frameshift and premature translation stop signal. This variant is expected to result in an absent or non-functional protein product. Splice site prediction tools suggest that this variant may not impact RNA splicing. To our knowledge, functional studies have not been performed for this variant. This variant has not been reported in individuals affected with hereditary cancer in the literature. This variant has not been identified in the general population by the Genome Aggregation Database (gnomAD). Loss of BRCA2 function is a known mechanism of disease. Based on the available evidence, this variant is classified as Pathogenic.

Ambry Genetics
Classification: Pathogenic for Hereditary cancer-predisposing syndrome. Last evaluated: 2017-09-13. Review status: criteria provided, single submitter. Criteria: Ambry Variant Classification Scheme 2023. Collection method: clinical testing. Allele origin: germline.
Comment: The c.6513_6514delGT pathogenic mutation, located in coding exon 10 of the BRCA2 gene, results from a deletion of two nucleotides at nucleotide positions 6513 to 6514, causing a translational frameshift with a predicted alternate stop codon (p.S2172Tfs*3). This alteration is expected to result in loss of function by premature protein truncation or nonsense-mediated mRNA decay. As such, this alteration is interpreted as a disease-causing mutation.

Labcorp Genetics (formerly Invitae), Labcorp
Classification: Pathogenic for Hereditary breast ovarian cancer syndrome. Last evaluated: 2017-01-31. Review status: criteria provided, single submitter. Criteria: Invitae Variant Classification Sherloc (09022015). Collection method: clinical testing. Allele origin: germline.
Comment: For these reasons, this variant has been classified as Pathogenic. While this particular variant has not been reported in the literature, loss-of-function variants in BRCA2 are known to be pathogenic (PMID: 20104584). This sequence change deletes 2 nucleotides from exon 11 of the BRCA2 mRNA (c.6513_6514delGT), causing a frameshift at codon 2172. This creates a premature translational stop signal (p.Ser2172Thrfs*3) and is expected to result in an absent or disrupted protein product.

Literature cited by the submitters: PubMed 20104584 (cited by Labcorp Genetics (formerly Invitae), Labcorp).

NM_000059.4(BRCA2):c.6513_6514del (p.Ser2172fs)

Gene: BRCA2 (BRCA2 DNA repair associated; plus strand). Cytogenetic location: 13q13.1.
Variant type: Microsatellite.
Coding change: c.6513_6514del on transcript NM_000059.4 (MANE Select); coding-DNA positions 6513 to 6514, 2 bases deleted (GT; older notation c.6513_6514delGT).
Protein change: p.Ser2172fs; shifts the reading frame from serine 2172.
Molecular consequence: frameshift variant.
Genome position (GRCh38, 1-based): chr13:32,340,868-32,340,869, GT deleted; deleting any 2 consecutive bases within chr13:32,340,866-32,340,869 gives the same sequence; the c. name uses the placement nearest the transcript's 3' end. VCF-style (leftmost placement, unchanged base first): chr13-32340865-AGT-A. GRCh37 (hg19) VCF-style: chr13-32915002-AGT-A.
Other names: c.6513_6514delGT (NM_000059.3); short protein forms S2172fs.
Identifiers: ClinVar variation 462407 (VCV000462407.14), dbSNP rs1555284730, ClinGen allele CA658656345.